The following is an entry in ClinVar:

ClinVar aggregate classification (germline): Pathogenic (1 of 4 stars; one submission).

Conditions:
Dyskeratosis congenita. Identifiers: Orphanet 1775, MedGen C0265965, MONDO:0015780.

Submission:

Labcorp Genetics (formerly Invitae), Labcorp
Classification: Pathogenic for Dyskeratosis congenita. Last evaluated: 2025-02-07. Review status: criteria provided, single submitter. Criteria: Invitae Variant Classification Sherloc (09022015). Collection method: clinical testing. Allele origin: germline.
Comment: This sequence change creates a premature translational stop signal (p.Leu114*) in the CTC1 gene. It is expected to result in an absent or disrupted protein product. Loss-of-function variants in CTC1 are known to be pathogenic (PMID: 22267198, 22387016). This variant is not present in population databases (gnomAD no frequency). This variant has not been reported in the literature in individuals affected with CTC1-related conditions. ClinVar contains an entry for this variant (Variation ID: 2037045). For these reasons, this variant has been classified as Pathogenic.

Literature cited by the submitters: PubMed 22267198; PubMed 22387016.

NM_025099.6(CTC1):c.341del (p.Leu113_Leu114insTer)

Gene: CTC1 (CST telomere replication complex component 1; minus strand). Cytogenetic location: 17p13.1.
Variant type: Deletion.
Coding change: c.341del on transcript NM_025099.6 (MANE Select); coding-DNA position 341, one base deleted (T; older notation c.341delT).
Protein change: p.Leu113_Leu114insTer.
Molecular consequence: nonsense. On other transcripts: frameshift variant (1), non-coding transcript variant (1).
Genome position (GRCh38, 1-based): chr17:8,238,486, A deleted on the plus strand (T on the coding strand, the reverse complement: CTC1 is on the minus strand); the first of 4 consecutive A bases (chr17:8,238,486-8,238,489); deleting any one gives the same sequence. VCF-style (leftmost placement, unchanged base first): chr17-8238485-TA-T. GRCh37 (hg19) VCF-style: chr17-8141803-TA-T.
Other names: c.338delT, p.Leu114Terfs (NM_001411067.1).
Identifiers: ClinVar variation 2037045 (VCV002037045.4), dbSNP rs1567614360, ClinGen allele CA919786449.
Genomic context (GRCh38, chr17:8,238,485, plus strand): 5'-ATAGAGGCTTCCGTTCCTGCACTCTTGTTCCAAGTCTGCCGATAGGTCTGTTAGTGTCCC[TA>T]AAAGTAACAGCTGCTCTCGGGGCAGGGGGTTCCCATTTGGTCCAGCCTCTTGGGCCCAGG-3'